The following is an entry in ClinVar:

NM_015072.5(TTLL5):c.1241C>T (p.Thr414Ile)

Gene: TTLL5 (tubulin tyrosine ligase like 5; plus strand). Cytogenetic location: 14q24.3.
Variant type: single nucleotide variant.
Coding change: c.1241C>T on transcript NM_015072.5 (MANE Select); coding-DNA position 1241, C replaced by T.
Protein change: p.Thr414Ile; replaces threonine 414 with isoleucine.
Molecular consequence: missense variant.
Genome position (GRCh38, 1-based): chr14:75,735,249, C>T. VCF-style: chr14-75735249-C-T. GRCh37 (hg19) VCF-style: chr14-76201592-C-T.
Other names: short protein forms T414I.
Identifiers: ClinVar variation 862208 (VCV000862208.9), dbSNP rs1034642536, ClinGen allele CA263702204.

ClinVar aggregate classification (germline): Uncertain significance (1 of 4 stars; one submission).

Allele frequency attached by ClinVar (database versions not stated): gnomAD exomes below 0.00001; TOPMed below 0.00001.
gnomAD v4.1: 1 of 1,614,212 alleles (0.000062%); highest among the groups gnomAD compares: Non-Finnish European, 0.000085%; no homozygotes.

Submission:

Labcorp Genetics (formerly Invitae), Labcorp
Classification: Uncertain significance. Last evaluated: 2019-12-03. Review status: criteria provided, single submitter. Criteria: Invitae Variant Classification Sherloc (09022015). Collection method: clinical testing. Allele origin: germline.
Comment: Algorithms developed to predict the effect of missense changes on protein structure and function (SIFT, PolyPhen-2, Align-GVGD) all suggest that this variant is likely to be tolerated, but these predictions have not been confirmed by published functional studies and their clinical significance is uncertain. In summary, the available evidence is currently insufficient to determine the role of this variant in disease. Therefore, it has been classified as a Variant of Uncertain Significance. This variant has not been reported in the literature in individuals with TTLL5-related conditions. This variant is not present in population databases (ExAC no frequency). This sequence change replaces threonine with isoleucine at codon 414 of the TTLL5 protein (p.Thr414Ile). The threonine residue is weakly conserved and there is a moderate physicochemical difference between threonine and isoleucine.